The following is an entry in ClinVar:

NM_198253.3(TERT):c.1350G>T (p.Gln450His)

Gene: TERT (telomerase reverse transcriptase; minus strand). Cytogenetic location: 5p15.33.
Variant type: single nucleotide variant.
Coding change: c.1350G>T on transcript NM_198253.3 (MANE Select); coding-DNA position 1350, G replaced by T.
Protein change: p.Gln450His; replaces glutamine 450 with histidine.
Molecular consequence: missense variant. On other transcripts: non-coding transcript variant (2).
Genome position (GRCh38, 1-based): chr5:1,293,536, C>A on the plus strand (G>T on the coding strand, the complement: TERT is on the minus strand). VCF-style: chr5-1293536-C-A. GRCh37 (hg19) VCF-style: chr5-1293651-C-A.
Other names: c.1350G>T, p.Gln450His (NM_001193376.3, NM_003219.1); short protein forms Q450H.
Identifiers: ClinVar variation 2946704 (VCV002946704.4), dbSNP rs2478411016, ClinGen allele CA359086066.

ClinVar aggregate classification (germline): Uncertain significance. Review status: criteria provided, multiple submitters, no conflicts (2 of 4 stars). 2 submissions from 2 submitters: Uncertain significance (2). Last evaluated 2026-01-05.

Conditions:
Dyskeratosis congenita. Identifiers: Orphanet 1775, MedGen C0265965, MONDO:0015780.
Dyskeratosis congenita, autosomal dominant 2. Identifiers: MedGen C3151443, MONDO:0013521, OMIM 613989.
Idiopathic Pulmonary Fibrosis. Also called: Idiopathic fibrosing alveolitis, chronic form; idiopathic fibrosing alveolitis. Identifiers: Orphanet 2032, MedGen C1800706, MeSH D054990, MONDO:0800504.

Allele frequency attached by ClinVar (database versions not stated): gnomAD exomes below 0.00001.
gnomAD v4.1: 1 of 1,553,954 alleles (0.000064%); highest among the groups gnomAD compares: African/African-American, 0.0014%; no homozygotes.

Submissions (2):

Ambry Genetics
Classification: Uncertain significance for Dyskeratosis congenita. Last evaluated: 2026-01-05. Review status: criteria provided, single submitter. Criteria: Ambry Variant Classification Scheme 2023. Collection method: clinical testing. Allele origin: germline.

Labcorp Genetics (formerly Invitae), Labcorp
Classification: Uncertain significance for Dyskeratosis congenita, autosomal dominant 2; Idiopathic Pulmonary Fibrosis. Last evaluated: 2023-04-14. Review status: criteria provided, single submitter. Criteria: Invitae Variant Classification Sherloc (09022015). Collection method: clinical testing. Allele origin: germline.
Comment: In summary, the available evidence is currently insufficient to determine the role of this variant in disease. Therefore, it has been classified as a Variant of Uncertain Significance. Advanced modeling of protein sequence and biophysical properties (such as structural, functional, and spatial information, amino acid conservation, physicochemical variation, residue mobility, and thermodynamic stability) has been performed at Invitae for this missense variant, however the output from this modeling did not meet the statistical confidence thresholds required to predict the impact of this variant on TERT protein function. This variant has not been reported in the literature in individuals affected with TERT-related conditions. This variant is not present in population databases (gnomAD no frequency). This sequence change replaces glutamine, which is neutral and polar, with histidine, which is basic and polar, at codon 450 of the TERT protein (p.Gln450His).